The following is an entry in ClinVar:

NM_005251.3(FOXC2):c.1488C>G (p.Tyr496Ter)

Gene: FOXC2 (forkhead box C2; plus strand). Cytogenetic location: 16q24.1.
Variant type: single nucleotide variant.
Coding change: c.1488C>G on transcript NM_005251.3 (MANE Select); coding-DNA position 1488, C replaced by G.
Protein change: p.Tyr496Ter; replaces tyrosine 496 with a stop codon.
Molecular consequence: nonsense.
Genome position (GRCh38, 1-based): chr16:86,568,823, C>G. VCF-style: chr16-86568823-C-G. GRCh37 (hg19) VCF-style: chr16-86602429-C-G.
Other names: short protein forms Y496*.
Identifiers: ClinVar variation 2579953 (VCV002579953.2), dbSNP rs765008014, ClinGen allele CA397010377.

ClinVar aggregate classification (germline): Uncertain significance. Review status: criteria provided, multiple submitters, no conflicts (2 of 4 stars). 2 submissions from 2 submitters: Uncertain significance (2). Last evaluated 2025-11-10.

Conditions:
FOXC2-related disorder. Also called: FOXC2-related condition.

gnomAD v4.1: 3 of 1,612,970 alleles (0.00019%); highest among the groups gnomAD compares: Non-Finnish European, 0.00025%; no homozygotes.

Submissions (2):

PreventionGenetics, part of Exact Sciences
Classification: Uncertain significance for FOXC2-related condition. Last evaluated: 2025-11-10. Review status: criteria provided, single submitter. Criteria: ACMG Guidelines, 2015. Collection method: clinical testing. Allele origin: germline.
Comment: The FOXC2 c.1488C>G variant is predicted to result in premature protein termination (p.Tyr496*). To our knowledge, this variant has not been reported in the literature or in a large population database (gnomAD), indicating this variant is rare. This variant resides in the last exon of FOXC2 gene, within the last 50 nucleotides, and it is unclear whether the resulting messenger RNA escapes nonsense mediated decay. At this time, the clinical significance of this variant is uncertain due to the absence of conclusive functional and genetic evidence.

GeneDx
Classification: Uncertain significance. Last evaluated: 2023-09-13. Review status: criteria provided, single submitter. Criteria: GeneDx Variant Classification Process June 2021. Collection method: clinical testing. Allele origin: germline. Affected: yes.
Comment: Not observed at significant frequency in large population cohorts (gnomAD); Has not been previously published as pathogenic or benign to our knowledge; Nonsense variant predicted to result in protein truncation as the last 6 amino acids are lost, although loss-of-function variants have not been reported downstream of this position in the protein